The following is an entry in ClinVar:

NM_080680.3(COL11A2):c.35T>G (p.Leu12Arg)

Gene: COL11A2 (collagen type XI alpha 2 chain; minus strand). Cytogenetic location: 6p21.32.
Variant type: single nucleotide variant.
Coding change: c.35T>G on transcript NM_080680.3 (MANE Select); coding-DNA position 35, T replaced by G.
Protein change: p.Leu12Arg; replaces leucine 12 with arginine.
Molecular consequence: missense variant. On other transcripts: intron variant (1).
Genome position (GRCh38, 1-based): chr6:33,192,206, A>C on the plus strand (T>G on the coding strand, the complement: COL11A2 is on the minus strand). VCF-style: chr6-33192206-A-C. GRCh37 (hg19) VCF-style: chr6-33159983-A-C.
Other names: c.35T>G, p.Leu12Arg (NM_001163771.2, NM_001424108.1, NM_080679.3 and 1 more transcripts); c.-765+819T>G (NM_001424111.1); short protein forms L12R.
Identifiers: ClinVar variation 3635270 (VCV003635270.2).
Genomic context (GRCh38, chr6:33,192,206, plus strand): 5'-GGACTCCTCTTACCTGCCCAGCCTGGGGCCGCGCTCAGCCCCAGCACCAGAGGTAGGAGG[A>C]GGAGGAGGCGATGGCAGCGGCTGCACCGCTCCATGGCTGAGAAGCCGAAACGCCGGGTCC-3'
Protein context (NP_542411.2, residues 2-22): ERCSRCHRLL[Leu12Arg]LLPLVLGLSA

ClinVar aggregate classification (germline): Uncertain significance (1 of 4 stars; one submission).

gnomAD v4.1: 2 of 1,566,642 alleles (0.00013%); highest among the groups gnomAD compares: African/African-American, 0.0027%; no homozygotes.

Submission:

Labcorp Genetics (formerly Invitae), Labcorp
Classification: Uncertain significance. Last evaluated: 2024-10-17. Review status: criteria provided, single submitter. Criteria: Invitae Variant Classification Sherloc (09022015). Collection method: clinical testing. Allele origin: germline.
Comment: This sequence change replaces leucine, which is neutral and non-polar, with arginine, which is basic and polar, at codon 12 of the COL11A2 protein (p.Leu12Arg). This variant is not present in population databases (gnomAD no frequency). This variant has not been reported in the literature in individuals affected with COL11A2-related conditions. Invitae Evidence Modeling of protein sequence and biophysical properties (such as structural, functional, and spatial information, amino acid conservation, physicochemical variation, residue mobility, and thermodynamic stability) indicates that this missense variant is not expected to disrupt COL11A2 protein function with a negative predictive value of 95%. In summary, the available evidence is currently insufficient to determine the role of this variant in disease. Therefore, it has been classified as a Variant of Uncertain Significance.